The following is an entry in ClinVar:

ClinVar aggregate classification (germline): Uncertain significance. Review status: criteria provided, multiple submitters, no conflicts (2 of 4 stars). 2 submissions from 2 submitters: Uncertain significance (2). Last evaluated 2025-12-21.

Conditions:
Multiple endocrine neoplasia type 4. Also called: MULTIPLE ENDOCRINE NEOPLASIA, TYPE IV. Identifiers: Orphanet 276152, MedGen C1970712, MONDO:0012552, OMIM 610755.
Hereditary cancer-predisposing syndrome. Also called: Tumor predisposition; Hereditary Cancer Syndrome; Hereditary neoplastic syndrome; Neoplastic Syndromes, Hereditary. Identifiers: Orphanet 140162, MedGen C0027672, MeSH D009386, MONDO:0015356.

Submissions (2):

Ambry Genetics
Classification: Uncertain significance for Hereditary cancer-predisposing syndrome. Last evaluated: 2025-12-21. Review status: criteria provided, single submitter. Criteria: Ambry Variant Classification Scheme 2023. Collection method: clinical testing. Allele origin: germline.
Comment: The p.A18G variant (also known as c.53C>G), located in coding exon 1 of the CDKN1B gene, results from a C to G substitution at nucleotide position 53. The alanine at codon 18 is replaced by glycine, an amino acid with similar properties. This amino acid position is not well conserved in available vertebrate species. In addition, this alteration is predicted to be tolerated by in silico analysis. Since supporting evidence is limited at this time, the clinical significance of this alteration remains unclear.

Labcorp Genetics (formerly Invitae), Labcorp
Classification: Uncertain significance for Multiple endocrine neoplasia type 4. Last evaluated: 2024-04-10. Review status: criteria provided, single submitter. Criteria: Invitae Variant Classification Sherloc (09022015). Collection method: clinical testing. Allele origin: germline.
Comment: This sequence change replaces alanine, which is neutral and non-polar, with glycine, which is neutral and non-polar, at codon 18 of the CDKN1B protein (p.Ala18Gly). This variant is not present in population databases (gnomAD no frequency). This variant has not been reported in the literature in individuals affected with CDKN1B-related conditions. ClinVar contains an entry for this variant (Variation ID: 1747292). Algorithms developed to predict the effect of missense changes on protein structure and function output the following: SIFT: "Not Available"; PolyPhen-2: "Benign"; Align-GVGD: "Not Available". The glycine amino acid residue is found in multiple mammalian species, which suggests that this missense change does not adversely affect protein function. In summary, the available evidence is currently insufficient to determine the role of this variant in disease. Therefore, it has been classified as a Variant of Uncertain Significance.

NM_004064.5(CDKN1B):c.53C>G (p.Ala18Gly)

Gene: CDKN1B (cyclin dependent kinase inhibitor 1B; plus strand). Cytogenetic location: 12p13.1.
Variant type: single nucleotide variant.
Coding change: c.53C>G on transcript NM_004064.5 (MANE Select); coding-DNA position 53, C replaced by G.
Protein change: p.Ala18Gly; replaces alanine 18 with glycine.
Molecular consequence: missense variant.
Genome position (GRCh38, 1-based): chr12:12,717,892, C>G. VCF-style: chr12-12717892-C-G. GRCh37 (hg19) VCF-style: chr12-12870826-C-G.
Other names: short protein forms A18G.
Identifiers: ClinVar variation 1747292 (VCV001747292.9), dbSNP rs1277429969, ClinGen allele CA383968192.